The following is an entry in ClinVar:

NM_024408.4(NOTCH2):c.6904C>G (p.Pro2302Ala)

Gene: NOTCH2 (notch receptor 2; minus strand). Cytogenetic location: 1p12.
Variant type: single nucleotide variant.
Coding change: c.6904C>G on transcript NM_024408.4 (MANE Select); coding-DNA position 6904, C replaced by G.
Protein change: p.Pro2302Ala; replaces proline 2302 with alanine.
Molecular consequence: missense variant.
Genome position (GRCh38, 1-based): chr1:119,915,818, G>C on the plus strand (C>G on the coding strand, the complement: NOTCH2 is on the minus strand). VCF-style: chr1-119915818-G-C. GRCh37 (hg19) VCF-style: chr1-120458441-G-C.
Other names: c.6904C>G (NM_024408.3); short protein forms P2302A.
Identifiers: ClinVar variation 1518082 (VCV001518082.8), dbSNP rs764669567, ClinGen allele CA1039356.
Genomic context (GRCh38, chr1:119,915,818, plus strand): 5'-GAGCCCCCGCTGGTTGGGCAATACTGCCTTTAGGGATGAGCTGGAAAGTCACAATGGGGG[G>C]CAAGGGCTCCCGAGGGGTGGTTATGTGCTTCCCTTCAGGTGGCCTGCTCTGGGGAGCTAT-3'
Protein context (NP_077719.2, residues 2292-2312): KHITTPREPL[Pro2302Ala]PIVTFQLIPK

ClinVar aggregate classification (germline): Uncertain significance. Review status: criteria provided, multiple submitters, no conflicts (2 of 4 stars). 3 submissions from 3 submitters: Uncertain significance (3). Last evaluated 2026-04-01.

Conditions:
Inborn genetic diseases. Identifiers: MedGen C0950123, MeSH D030342.
Hajdu-Cheney syndrome (HJCYS). Also called: Acroosteolysis dominant type; SERPENTINE FIBULA-POLYCYSTIC KIDNEY SYNDROME; ACROOSTEOLYSIS WITH OSTEOPOROSIS AND CHANGES IN SKULL AND MANDIBLE. Identifiers: Orphanet 955, MedGen C0917715, MONDO:0007057, OMIM 102500.
Alagille syndrome due to a NOTCH2 point mutation. Also called: Alagille syndrome 2. Identifiers: Orphanet 261629, Orphanet 52, MedGen C1857761, MONDO:0012439, OMIM 610205.

Allele frequency attached by ClinVar (database versions not stated): ExAC 0.00001; gnomAD exomes below 0.00001; TOPMed 0.00001; gnomAD 0.00001.
gnomAD v4.1: 8 of 1,613,634 alleles (0.0005%); highest among the groups gnomAD compares: Non-Finnish European, 0.00059%; no homozygotes.

Submissions (3):

Ambry Genetics
Classification: Uncertain significance for Inborn genetic diseases. Last evaluated: 2026-04-01. Review status: criteria provided, single submitter. Criteria: Ambry Variant Classification Scheme 2023. Collection method: clinical testing. Allele origin: germline.

Labcorp Genetics (formerly Invitae), Labcorp
Classification: Uncertain significance for Hajdu-Cheney syndrome. Last evaluated: 2025-05-05. Review status: criteria provided, single submitter. Criteria: Invitae Variant Classification Sherloc (09022015). Collection method: clinical testing. Allele origin: germline.
Comment: This sequence change replaces proline, which is neutral and non-polar, with alanine, which is neutral and non-polar, at codon 2302 of the NOTCH2 protein (p.Pro2302Ala). This variant is present in population databases (rs764669567, gnomAD 0.0009%). This variant has not been reported in the literature in individuals affected with NOTCH2-related conditions. ClinVar contains an entry for this variant (Variation ID: 1518082). Invitae Evidence Modeling of protein sequence and biophysical properties (such as structural, functional, and spatial information, amino acid conservation, physicochemical variation, residue mobility, and thermodynamic stability) indicates that this missense variant is not expected to disrupt NOTCH2 protein function with a negative predictive value of 80%. In summary, the available evidence is currently insufficient to determine the role of this variant in disease. Therefore, it has been classified as a Variant of Uncertain Significance.

Fulgent Genetics
Classification: Uncertain significance for Hajdu-Cheney syndrome; Alagille syndrome due to a NOTCH2 point mutation. Last evaluated: 2021-11-19. Review status: criteria provided, single submitter. Criteria: ACMG Guidelines, 2015. Collection method: clinical testing. Allele origin: unknown.